The following is an entry in ClinVar:

NM_000834.5(GRIN2B):c.4288G>C (p.Val1430Leu)

Gene: GRIN2B (glutamate ionotropic receptor NMDA type subunit 2B; minus strand). Cytogenetic location: 12p13.1.
Variant type: single nucleotide variant.
Coding change: c.4288G>C on transcript NM_000834.5 (MANE Select); coding-DNA position 4288, G replaced by C.
Protein change: p.Val1430Leu; replaces valine 1430 with leucine.
Molecular consequence: missense variant.
Genome position (GRCh38, 1-based): chr12:13,562,950, C>G on the plus strand (G>C on the coding strand, the complement: GRIN2B is on the minus strand). VCF-style: chr12-13562950-C-G. GRCh37 (hg19) VCF-style: chr12-13715884-C-G.
Other names: short protein forms V1430L.
Identifiers: ClinVar variation 245623 (VCV000245623.2), dbSNP rs879253885, ClinGen allele CA10584419.

ClinVar aggregate classification (germline): Uncertain significance (1 of 4 stars; one submission).

Submission:

GeneDx
Classification: Uncertain significance. Last evaluated: 2019-05-17. Review status: criteria provided, single submitter. Criteria: GeneDx Variant Classification (06012015). Collection method: clinical testing. Allele origin: germline. Affected: yes.
Comment: Not observed in large population cohorts (Lek et al., 2016) In silico analysis, which includes protein predictors and evolutionary conservation, supports that this variant does not alter protein structure/function Has not been previously published as pathogenic or benign to our knowledge